The following is an entry in ClinVar:

ClinVar aggregate classification (germline): Uncertain significance (1 of 4 stars; one submission).

Conditions:
MYH14-related disorder. Also called: MYH14-related condition.

Submission:

PreventionGenetics, part of Exact Sciences
Classification: Uncertain significance for MYH14-related condition. Last evaluated: 2023-02-22. Review status: criteria provided, single submitter. Criteria: ACMG Guidelines, 2015. Collection method: clinical testing. Allele origin: germline.
Comment: The MYH14 c.5991_6004delinsTAGAGGAGGGCGTGGCA variant is predicted to result in an in-frame deletion and insertion. To our knowledge, this variant has not been reported in the literature or in a large population database, indicating this variant is rare. At this time, the clinical significance of this variant is uncertain due to the absence of conclusive functional and genetic evidence.

NM_001145809.2(MYH14):c.5991_6004delinsTAGAGGAGGGCGTGGCA (p.Val1998_Phe2002delinsArgGlyGlyArgGlyIle)

Gene: MYH14 (myosin heavy chain 14; plus strand). Cytogenetic location: 19q13.33.
Variant type: Indel.
Coding change: c.5991_6004delinsTAGAGGAGGGCGTGGCA on transcript NM_001145809.2 (MANE Select); coding-DNA positions 5991 to 6004, GGTGCGCCAGGTCT replaced by TAGAGGAGGGCGTGGCA.
Protein change: p.Val1998_Phe2002delinsArgGlyGlyArgGlyIle.
Molecular consequence: inframe indel.
Genome position (GRCh38, 1-based): chr19:50,309,670-50,309,683, GGTGCGCCAGGTCT replaced by TAGAGGAGGGCGTGGCA. VCF-style: chr19-50309670-GGTGCGCCAGGTCT-TAGAGGAGGGCGTGGCA. GRCh37 (hg19) VCF-style: chr19-50812927-GGTGCGCCAGGTCT-TAGAGGAGGGCGTGGCA.
Other names: c.5892_5905delinsTAGAGGAGGGCGTGGCA, p.Val1965_Phe1969delinsArgGlyGlyArgGlyIle (NM_001077186.2); c.5868_5881delinsTAGAGGAGGGCGTGGCA, p.Val1957_Phe1961delinsArgGlyGlyArgGlyIle (NM_024729.4).
Identifiers: ClinVar variation 2630202 (VCV002630202.1), dbSNP rs2513782176, ClinGen allele CA2695201360.